The following is an entry in ClinVar:

ClinVar aggregate classification (germline): Uncertain significance. Review status: criteria provided, multiple submitters, no conflicts (2 of 4 stars). 2 submissions from 2 submitters: Uncertain significance (2). Last evaluated 2025-04-25.

Conditions:
Hereditary cancer-predisposing syndrome. Also called: Hereditary Cancer Syndrome; Hereditary neoplastic syndrome; Tumor predisposition; Neoplastic Syndromes, Hereditary. Identifiers: Orphanet 140162, MedGen C0027672, MeSH D009386, MONDO:0015356.
Oligodontia-cancer predisposition syndrome. Also called: TOOTH AGENESIS-COLORECTAL CANCER SYNDROME. Identifiers: Orphanet 300576, MedGen C1837750, MONDO:0012075, OMIM 608615. Disease mechanism: loss of function.

gnomAD v4.1: 1 of 1,581,976 alleles (0.000063%); highest among the groups gnomAD compares: Non-Finnish European, 0.000086%; no homozygotes.

Submissions (2):

Ambry Genetics
Classification: Uncertain significance for Hereditary cancer-predisposing syndrome. Last evaluated: 2025-04-25. Review status: criteria provided, single submitter. Criteria: Ambry Variant Classification Scheme 2023. Collection method: clinical testing. Allele origin: germline.
Comment: The c.2405+4A>T intronic variant results from an A to T substitution 4 nucleotides after coding exon 9 in the AXIN2 gene. This nucleotide position is well conserved in available vertebrate species. In silico splice site analysis for this alteration is inconclusive. Based on the available evidence, the clinical significance of this variant remains unclear.

Labcorp Genetics (formerly Invitae), Labcorp
Classification: Uncertain significance for Oligodontia-cancer predisposition syndrome. Last evaluated: 2023-03-14. Review status: criteria provided, single submitter. Criteria: Invitae Variant Classification Sherloc (09022015). Collection method: clinical testing. Allele origin: germline.
Comment: This sequence change falls in intron 10 of the AXIN2 gene. It does not directly change the encoded amino acid sequence of the AXIN2 protein. It affects a nucleotide within the consensus splice site. In summary, the available evidence is currently insufficient to determine the role of this variant in disease. Therefore, it has been classified as a Variant of Uncertain Significance. Variants that disrupt the consensus splice site are a relatively common cause of aberrant splicing (PMID: 17576681, 9536098). Algorithms developed to predict the effect of sequence changes on RNA splicing suggest that this variant is not likely to affect RNA splicing. ClinVar contains an entry for this variant (Variation ID: 1790780). This variant has not been reported in the literature in individuals affected with AXIN2-related conditions. This variant is not present in population databases (gnomAD no frequency).

Literature cited by the submitters: PubMed 17576681 (cited by Labcorp Genetics (formerly Invitae), Labcorp); PubMed 9536098 (cited by Labcorp Genetics (formerly Invitae), Labcorp).

NM_004655.4(AXIN2):c.2405+4A>T

Gene: AXIN2 (axin 2; minus strand). Cytogenetic location: 17q24.1.
Variant type: single nucleotide variant.
Coding change: c.2405+4A>T on transcript NM_004655.4 (MANE Select); 4 bases into the intron after coding-DNA position 2405, A replaced by T.
Molecular consequence: intron variant.
Genome position (GRCh38, 1-based): chr17:65,533,908, T>A on the plus strand (A>T on the coding strand, the complement: AXIN2 is on the minus strand). VCF-style: chr17-65533908-T-A. GRCh37 (hg19) VCF-style: chr17-63530026-T-A.
Other names: c.2210+4A>T (NM_001363813.1).
Identifiers: ClinVar variation 1790780 (VCV001790780.8), dbSNP rs377423720, ClinGen allele CA2580094676.